The following is an entry in ClinVar:

ClinVar aggregate classification (germline): Uncertain significance (1 of 4 stars; one submission).

Allele frequency attached by ClinVar (database versions not stated): gnomAD exomes below 0.00001.
gnomAD v4.1: 3 of 1,586,048 alleles (0.00019%); highest among the groups gnomAD compares: East Asian, 0.0023%; no homozygotes.

Submission:

Labcorp Genetics (formerly Invitae), Labcorp
Classification: Uncertain significance. Last evaluated: 2022-10-27. Review status: criteria provided, single submitter. Criteria: Invitae Variant Classification Sherloc (09022015). Collection method: clinical testing. Allele origin: germline.
Comment: In summary, the available evidence is currently insufficient to determine the role of this variant in disease. Therefore, it has been classified as a Variant of Uncertain Significance. Variants that disrupt the consensus splice site are a relatively common cause of aberrant splicing (PMID: 17576681, 9536098). Algorithms developed to predict the effect of sequence changes on RNA splicing suggest that this variant is not likely to affect RNA splicing. This variant has not been reported in the literature in individuals affected with AP3D1-related conditions. This variant is not present in population databases (gnomAD no frequency). This sequence change falls in intron 17 of the AP3D1 gene. It does not directly change the encoded amino acid sequence of the AP3D1 protein. It affects a nucleotide within the consensus splice site.

Literature cited by the submitters: PubMed 17576681; PubMed 9536098.

NM_001261826.3(AP3D1):c.2001+3G>A

Gene: AP3D1 (adaptor related protein complex 3 subunit delta 1; minus strand). Cytogenetic location: 19p13.3.
Variant type: single nucleotide variant.
Coding change: c.2001+3G>A on transcript NM_001261826.3 (MANE Select); 3 bases into the intron after coding-DNA position 2001, G replaced by A.
Molecular consequence: intron variant.
Genome position (GRCh38, 1-based): chr19:2,116,602, C>T on the plus strand (G>A on the coding strand, the complement: AP3D1 is on the minus strand). VCF-style: chr19-2116602-C-T. GRCh37 (hg19) VCF-style: chr19-2116601-C-T.
Other names: c.2001+3G>A (NM_003938.8, NM_001374799.1).
Identifiers: ClinVar variation 1960773 (VCV001960773.5), dbSNP rs2512157444, ClinGen allele CA2580096193.
Genomic context (GRCh38, chr19:2,116,602, plus strand): 5'-TCAAAGACTCCCTGGGACAGGAGGGAGGAGACGAGGGCTCGCCAGGGGCAGCCAGCAGCT[C>T]ACCCGAGCCAGCTCTTCCTCGTCCGCCTCCGACGGCCGGTGCTTGGGACGCCGCTGCTCC-3'